The following is an entry in ClinVar:

ClinVar aggregate classification (germline): Uncertain significance. Review status: criteria provided, multiple submitters, no conflicts (2 of 4 stars). 5 submissions from 4 submitters: Uncertain significance (5). Last evaluated 2025-11-12.

Conditions:
Atypical hemolytic-uremic syndrome with C3 anomaly. Also called: AHUS, SUSCEPTIBILITY TO, 5. Identifiers: Orphanet 2134, MedGen C2752037, MONDO:0013043, OMIM 612925.
Complement component 3 deficiency. Identifiers: Orphanet 280133, MedGen C3151071, MONDO:0013417, OMIM 613779.
Age related macular degeneration 9. Identifiers: MedGen C1969651, MONDO:0012659, OMIM 611378.

Allele frequency attached by ClinVar (database versions not stated): ExAC 0.00002; gnomAD exomes 0.00003 and 0.00009; gnomAD 0.00005; TOPMed 0.00005; ESP Exome Variant Server 0.00015.
gnomAD v4.1: 149 of 1,613,612 alleles (0.0092%); highest among the groups gnomAD compares: Non-Finnish European, 0.011%; no homozygotes.

Submissions (5):

Labcorp Genetics (formerly Invitae), Labcorp
Classification: Uncertain significance. Last evaluated: 2025-11-12. Review status: criteria provided, single submitter. Criteria: Invitae Variant Classification Sherloc (09022015). Collection method: clinical testing. Allele origin: germline.
Comment: This sequence change replaces lysine, which is basic and polar, with glutamic acid, which is acidic and polar, at codon 607 of the C3 protein (p.Lys607Glu). The frequency data for this variant in the population databases is considered unreliable, as metrics indicate poor data quality at this position in the gnomAD database. This variant has not been reported in the literature in individuals affected with C3-related conditions. ClinVar contains an entry for this variant (Variation ID: 330318). Invitae Evidence Modeling of protein sequence and biophysical properties (such as structural, functional, and spatial information, amino acid conservation, physicochemical variation, residue mobility, and thermodynamic stability) indicates that this missense variant is not expected to disrupt C3 protein function with a negative predictive value of 80%. In summary, the available evidence is currently insufficient to determine the role of this variant in disease. Therefore, it has been classified as a Variant of Uncertain Significance.

CeGaT Center for Human Genetics Tuebingen
Classification: Uncertain significance. Last evaluated: 2025-07-01. Review status: criteria provided, single submitter. Criteria: CeGaT Center For Human Genetics Tuebingen Variant Classification Criteria Version 2. Collection method: clinical testing. Allele origin: germline. Affected: yes. Observed: 1 variant allele.
Comment: C3: PM2, PP2

Illumina Laboratory Services, Illumina
Classification: Uncertain significance for Atypical hemolytic-uremic syndrome with C3 anomaly. Last evaluated: 2024-07-11. Review status: criteria provided, single submitter. Criteria: ICSLVariantClassificationCriteria RUGD 01 April 2020. Collection method: clinical testing. Allele origin: unknown.

Fulgent Genetics
Classification: Uncertain significance for Age related macular degeneration 9; Atypical hemolytic-uremic syndrome with C3 anomaly; Complement component 3 deficiency. Last evaluated: 2024-06-05. Review status: criteria provided, single submitter. Criteria: ACMG Guidelines, 2015. Collection method: clinical testing. Allele origin: germline.

Illumina Laboratory Services, Illumina
Classification: Uncertain significance for Complement component 3 deficiency. Last evaluated: 2018-01-13. Review status: criteria provided, single submitter. Criteria: ICSL Variant Classification Criteria 13 December 2019. Collection method: clinical testing. Allele origin: germline.

NM_000064.4(C3):c.1819A>G (p.Lys607Glu)

Gene: C3 (complement C3; minus strand). Cytogenetic location: 19p13.3.
Variant type: single nucleotide variant.
Coding change: c.1819A>G on transcript NM_000064.4 (MANE Select); coding-DNA position 1819, A replaced by G.
Protein change: p.Lys607Glu; replaces lysine 607 with glutamic acid.
Molecular consequence: missense variant.
Genome position (GRCh38, 1-based): chr19:6,709,710, T>C on the plus strand (A>G on the coding strand, the complement: C3 is on the minus strand). VCF-style: chr19-6709710-T-C. GRCh37 (hg19) VCF-style: chr19-6709721-T-C.
Other names: c.1819A>G (LRG_27t1); short protein forms K607E.
Identifiers: ClinVar variation 330318 (VCV000330318.19), dbSNP rs140637006, ClinGen allele CA9129328.
Genomic context (GRCh38, chr19:6,709,710, plus strand): 5'-CTCTTCTCAGCAGCCTTGGGTCACTGGCCCTTACCTTACTCTGCGTCAGTTTGTTCTTCT[T>C]ATTCAGCACGAACACGCCCTTGTCCACGGCCACCAGTACCACCCGGGCCCCGTGGTCACC-3'
Protein context (NP_000055.2, residues 597-617): AVDKGVFVLN[Lys607Glu]KNKLTQSKIW